The following is an entry in ClinVar:

ClinVar aggregate classification (germline): Uncertain significance (1 of 4 stars; one submission).

gnomAD v4.1: 1 of 1,605,512 alleles (0.000062%); highest among the groups gnomAD compares: Non-Finnish European, 0.000085%; no homozygotes.

Submission:

Labcorp Genetics (formerly Invitae), Labcorp
Classification: Uncertain significance. Last evaluated: 2024-01-14. Review status: criteria provided, single submitter. Criteria: Invitae Variant Classification Sherloc (09022015). Collection method: clinical testing. Allele origin: germline.
Comment: This sequence change replaces threonine, which is neutral and polar, with isoleucine, which is neutral and non-polar, at codon 1056 of the BRD4 protein (p.Thr1056Ile). This variant is not present in population databases (gnomAD no frequency). This variant has not been reported in the literature in individuals affected with BRD4-related conditions. An algorithm developed to predict the effect of missense changes on protein structure and function (PolyPhen-2) suggests that this variant is likely to be tolerated. In summary, the available evidence is currently insufficient to determine the role of this variant in disease. Therefore, it has been classified as a Variant of Uncertain Significance.

NM_001379291.1(BRD4):c.3167C>T (p.Thr1056Ile)

Gene: BRD4 (bromodomain containing 4; minus strand). Cytogenetic location: 19p13.12.
Variant type: single nucleotide variant.
Coding change: c.3167C>T on transcript NM_001379291.1 (MANE Select); coding-DNA position 3167, C replaced by T.
Protein change: p.Thr1056Ile; replaces threonine 1056 with isoleucine.
Molecular consequence: missense variant.
Genome position (GRCh38, 1-based): chr19:15,242,902, G>A on the plus strand (C>T on the coding strand, the complement: BRD4 is on the minus strand). VCF-style: chr19-15242902-G-A. GRCh37 (hg19) VCF-style: chr19-15353713-G-A.
Other names: c.3167C>T, p.Thr1056Ile (NM_058243.3); short protein forms T1056I.
Identifiers: ClinVar variation 2805685 (VCV002805685.3), dbSNP rs1333875351, ClinGen allele CA404502911.